The following is an entry in ClinVar:

ClinVar aggregate classification (germline): Uncertain significance (1 of 4 stars; one submission).

Conditions:
Neurofibromatosis, type 1 (NF1). Also called: VON RECKLINGHAUSEN DISEASE; Peripheral type neurofibromatosis; NEUROFIBROMATOSIS, TYPE I, SOMATIC; Neurofibromatosis, type I. Identifiers: Orphanet 636, MedGen C0027831, MONDO:0018975, OMIM 162200. Disease mechanism: loss of function.

gnomAD v4.1: 1 of 1,613,916 alleles (0.000062%); highest among the groups gnomAD compares: Non-Finnish European, 0.000085%; no homozygotes.

Submission:

Labcorp Genetics (formerly Invitae), Labcorp
Classification: Uncertain significance for Neurofibromatosis, type 1. Last evaluated: 2025-01-23. Review status: criteria provided, single submitter. Criteria: Invitae Variant Classification Sherloc (09022015). Collection method: clinical testing. Allele origin: germline.
Comment: This sequence change replaces alanine, which is neutral and non-polar, with threonine, which is neutral and polar, at codon 246 of the NF1 protein (p.Ala246Thr). This variant is not present in population databases (gnomAD no frequency). This variant has not been reported in the literature in individuals affected with NF1-related conditions. Invitae Evidence Modeling of protein sequence and biophysical properties (such as structural, functional, and spatial information, amino acid conservation, physicochemical variation, residue mobility, and thermodynamic stability) indicates that this missense variant is not expected to disrupt NF1 protein function with a negative predictive value of 95%. In summary, the available evidence is currently insufficient to determine the role of this variant in disease. Therefore, it has been classified as a Variant of Uncertain Significance.

NM_001042492.3(NF1):c.736G>A (p.Ala246Thr)

Gene: NF1 (neurofibromin 1; plus strand). Cytogenetic location: 17q11.2.
Variant type: single nucleotide variant.
Coding change: c.736G>A on transcript NM_001042492.3 (MANE Select); coding-DNA position 736, G replaced by A.
Protein change: p.Ala246Thr; replaces alanine 246 with threonine.
Molecular consequence: missense variant.
Genome position (GRCh38, 1-based): chr17:31,182,513, G>A. VCF-style: chr17-31182513-G-A. GRCh37 (hg19) VCF-style: chr17-29509531-G-A.
Other names: c.736G>A, p.Ala246Thr (NM_000267.4, NM_001128147.3); short protein forms A246T.
Identifiers: ClinVar variation 3634488 (VCV003634488.2).